The following is an entry in ClinVar:

ClinVar aggregate classification (germline): Uncertain significance (1 of 4 stars; one submission).

Allele frequency attached by ClinVar (database versions not stated): ExAC 0.00007; TOPMed 0.00007; ESP Exome Variant Server 0.00008; gnomAD exomes 0.00011.
gnomAD v4.1: 177 of 1,613,592 alleles (0.011%); highest among the groups gnomAD compares: East Asian, 0.025%; no homozygotes.

Submission:

Ambry Genetics
Classification: Uncertain significance. Last evaluated: 2026-02-03. Review status: criteria provided, single submitter. Criteria: Ambry Variant Classification Scheme 2023. Collection method: clinical testing. Allele origin: germline.
Comment: The c.6682C>T (p.R2228C) alteration is located in exon 43 (coding exon 43) of the CSMD3 gene. This alteration results from a C to T substitution at nucleotide position 6682, causing the arginine (R) at amino acid position 2228 to be replaced by a cysteine (C). Based on data from gnomAD, the T allele has an overall frequency of 0.007% (21/282616) total alleles studied. The highest observed frequency was 0.04% (8/19954) of East Asian alleles. Based on insufficient or conflicting evidence, the clinical significance of this alteration remains unclear.

NM_198123.2(CSMD3):c.6682C>T (p.Arg2228Cys)

Gene: CSMD3 (CUB and Sushi multiple domains 3; minus strand). Cytogenetic location: 8q23.3.
Variant type: single nucleotide variant.
Coding change: c.6682C>T on transcript NM_198123.2 (MANE Select); coding-DNA position 6682, C replaced by T.
Protein change: p.Arg2228Cys; replaces arginine 2228 with cysteine.
Molecular consequence: missense variant.
Genome position (GRCh38, 1-based): chr8:112,337,702, G>A on the plus strand (C>T on the coding strand, the complement: CSMD3 is on the minus strand). VCF-style: chr8-112337702-G-A. GRCh37 (hg19) VCF-style: chr8-113349931-G-A.
Other names: c.6082C>T, p.Arg2028Cys (NM_001363185.1); c.6370C>T, p.Arg2124Cys (NM_052900.3); c.6562C>T, p.Arg2188Cys (NM_198124.2); short protein forms R2188C, R2228C, R2028C, R2124C.
Identifiers: ClinVar variation 2223099 (VCV002223099.3), dbSNP rs368245391, ClinGen allele CA4849501.